The following is an entry in ClinVar:

NM_017791.3(FLVCR2):c.951T>C (p.Tyr317=)

Gene: FLVCR2 (FLVCR choline and putative heme transporter 2; plus strand). Cytogenetic location: 14q24.3.
Variant type: single nucleotide variant.
Coding change: c.951T>C on transcript NM_017791.3 (MANE Select); coding-DNA position 951, T replaced by C.
Protein change: p.Tyr317=; no amino-acid change (tyrosine 317 retained).
Molecular consequence: synonymous variant.
Genome position (GRCh38, 1-based): chr14:75,624,751, T>C. VCF-style: chr14-75624751-T-C. GRCh37 (hg19) VCF-style: chr14-76091094-T-C.
Other names: c.336T>C, p.Tyr112= (NM_001195283.2).
Identifiers: ClinVar variation 3038355 (VCV003038355.2), dbSNP rs375606040, ClinGen allele CA7278360.

ClinVar aggregate classification (germline): Likely benign (0 of 4 stars; one submission).

Conditions:
FLVCR2-related disorder. Also called: FLVCR2-related condition.

Allele frequency attached by ClinVar (database versions not stated): ExAC 0.00001; TOPMed 0.00002; gnomAD 0.00003; gnomAD exomes 0.00004; ESP Exome Variant Server 0.00008.
gnomAD v4.1: 58 of 1,614,018 alleles (0.0036%); highest among the groups gnomAD compares: Non-Finnish European, 0.0047%; no homozygotes.

Submission:

PreventionGenetics, part of Exact Sciences
Classification: Likely benign for FLVCR2-related condition. Last evaluated: 2019-04-04. Review status: no assertion criteria provided. Collection method: clinical testing. Allele origin: germline.
Comment: This variant is classified as likely benign based on ACMG/AMP sequence variant interpretation guidelines (Richards et al. 2015 PMID: 25741868, with internal and published modifications).